The following is an entry in ClinVar:

ClinVar aggregate classification (germline): Uncertain significance (1 of 4 stars; one submission).

Submission:

GeneDx
Classification: Uncertain significance. Last evaluated: 2023-03-29. Review status: criteria provided, single submitter. Criteria: GeneDx Variant Classification Process June 2021. Collection method: clinical testing. Allele origin: germline. Affected: yes.
Comment: Not observed at significant frequency in large population cohorts (gnomAD); In silico analysis supports that this missense variant does not alter protein structure/function; Has not been previously published as pathogenic or benign to our knowledge

NM_004655.4(AXIN2):c.1682C>G (p.Ala561Gly)

Gene: AXIN2 (axin 2; minus strand). Cytogenetic location: 17q24.1.
Variant type: single nucleotide variant.
Coding change: c.1682C>G on transcript NM_004655.4 (MANE Select); coding-DNA position 1682, C replaced by G.
Protein change: p.Ala561Gly; replaces alanine 561 with glycine.
Molecular consequence: missense variant.
Genome position (GRCh38, 1-based): chr17:65,537,354, G>C on the plus strand (C>G on the coding strand, the complement: AXIN2 is on the minus strand). VCF-style: chr17-65537354-G-C. GRCh37 (hg19) VCF-style: chr17-63533472-G-C.
Other names: c.1682C>G, p.Ala561Gly (NM_001363813.1); short protein forms A561G.
Identifiers: ClinVar variation 2582147 (VCV002582147.1), dbSNP rs1444558946, ClinGen allele CA400676845.
Genomic context (GRCh38, chr17:65,537,354, plus strand): 5'-ACGGGACACTGCGGTCCGCCCGGCACTTACCCAAACTGCTCGCTGGGCATGGTTTCCGGA[G>C]CCTTGGAGTGGCTTTTGCATTTCGAGTAGCAGTAATACTCGCTGCCCCCAGGGCAGAAGC-3'
Protein context (NP_004646.3, residues 551-571): CYSKCKSHSK[Ala561Gly]PETMPSEQFG